The following is an entry in ClinVar:

NM_001371279.1(REEP1):c.415A>T (p.Lys139Ter)

Gene: REEP1 (receptor accessory protein 1; minus strand). Cytogenetic location: 2p11.2.
Variant type: single nucleotide variant.
Coding change: c.415A>T on transcript NM_001371279.1 (MANE Select); coding-DNA position 415, A replaced by T.
Protein change: p.Lys139Ter; replaces lysine 139 with a stop codon.
Molecular consequence: nonsense. On other transcripts: intron variant (1).
Genome position (GRCh38, 1-based): chr2:86,251,959, T>A on the plus strand (A>T on the coding strand, the complement: REEP1 is on the minus strand). VCF-style: chr2-86251959-T-A. GRCh37 (hg19) VCF-style: chr2-86479082-T-A.
Other names: c.436A>T, p.Lys146Ter (NM_001164730.2); c.334A>T, p.Lys112Ter (NM_001164731.2); c.415A>T, p.Lys139Ter (NM_001371280.1, NM_022912.3); c.182+12006A>T (NM_001164732.2); short protein forms K139*, K146*, K112*.
Identifiers: ClinVar variation 188118 (VCV000188118.8), dbSNP rs786204081, ClinGen allele CA334086.

ClinVar aggregate classification (germline): Pathogenic (1 of 4 stars; one submission).

Conditions:
Hereditary spastic paraplegia 31. Also called: SPASTIC PARAPLEGIA 31, AUTOSOMAL DOMINANT. Identifiers: Orphanet 101011, MedGen C1853247, MONDO:0012453, OMIM 610250.

Submission:

Labcorp Genetics (formerly Invitae), Labcorp
Classification: Pathogenic for Hereditary spastic paraplegia 31. Last evaluated: 2014-10-02. Review status: criteria provided, single submitter. Criteria: Invitae Variant Classification Sherloc (09022015). Collection method: clinical testing. Allele origin: germline.
Comment: Truncating sequence changes of REEP1 are known to be pathogenic. This sequence change creates a premature translational stop signal at codon 139 (p.Lys139*). It is expected to result in an absent or disrupted protein product. This sequence change has not been published in the literature and is not present in population databases.